The following is an entry in ClinVar:

NM_014361.4(CNTN5):c.2205T>A (p.Ala735=)

Gene: CNTN5 (contactin 5; plus strand). Cytogenetic location: 11q22.1.
Variant type: single nucleotide variant.
Coding change: c.2205T>A on transcript NM_014361.4 (MANE Select); coding-DNA position 2205, T replaced by A.
Protein change: p.Ala735=; no amino-acid change (alanine 735 retained).
Molecular consequence: synonymous variant.
Genome position (GRCh38, 1-based): chr11:100,271,132, T>A. VCF-style: chr11-100271132-T-A. GRCh37 (hg19) VCF-style: chr11-100141864-T-A.
Other names: c.2205T>A, p.Ala735= (NM_001243270.2, NM_001243271.2); c.1983T>A, p.Ala661= (NM_175566.2).
Identifiers: ClinVar variation 3045090 (VCV003045090.2), dbSNP rs201580433, ClinGen allele CA6242672.

ClinVar aggregate classification (germline): Likely benign (0 of 4 stars; one submission).

Conditions:
CNTN5-related disorder. Also called: CNTN5-related condition.

Allele frequency attached by ClinVar (database versions not stated): gnomAD exomes below 0.00001; ExAC 0.00001; TOPMed 0.00004; gnomAD 0.00005; 1000 Genomes Project 30x 0.00016; 1000 Genomes Project 0.00020.
gnomAD v4.1: 13 of 1,612,870 alleles (0.00081%); highest among the groups gnomAD compares: African/African-American, 0.016%; no homozygotes.

Submission:

PreventionGenetics, part of Exact Sciences
Classification: Likely benign for CNTN5-related condition. Last evaluated: 2019-11-14. Review status: no assertion criteria provided. Collection method: clinical testing. Allele origin: germline.
Comment: This variant is classified as likely benign based on ACMG/AMP sequence variant interpretation guidelines (Richards et al. 2015 PMID: 25741868, with internal and published modifications).